The following is an entry in ClinVar:

NM_017950.4(CCDC40):c.1861G>A (p.Glu621Lys)

Gene: CCDC40 (coiled-coil domain 40 molecular ruler complex subunit; plus strand). Cytogenetic location: 17q25.3.
Variant type: single nucleotide variant.
Coding change: c.1861G>A on transcript NM_017950.4 (MANE Select); coding-DNA position 1861, G replaced by A.
Protein change: p.Glu621Lys; replaces glutamic acid 621 with lysine.
Molecular consequence: missense variant.
Genome position (GRCh38, 1-based): chr17:80,081,930, G>A. VCF-style: chr17-80081930-G-A. GRCh37 (hg19) VCF-style: chr17-78055729-G-A.
Other names: c.1861G>A, p.Glu621Lys (NM_001243342.2); short protein forms E621K.
Identifiers: ClinVar variation 1957550 (VCV001957550.2), dbSNP rs752125203, ClinGen allele CA8814041.

ClinVar aggregate classification (germline): Uncertain significance (1 of 4 stars; one submission).

Conditions:
Primary ciliary dyskinesia. Also called: Ciliary dyskinesia. Identifiers: Orphanet 244, MedGen C0008780, MONDO:0016575, HP:0012265.

Allele frequency attached by ClinVar (database versions not stated): ExAC 0.00001; gnomAD 0.00001.
gnomAD v4.1: 14 of 1,613,800 alleles (0.00087%); highest among the groups gnomAD compares: East Asian, 0.0045%; no homozygotes.

Submission:

Labcorp Genetics (formerly Invitae), Labcorp
Classification: Uncertain significance for Primary ciliary dyskinesia. Last evaluated: 2022-02-12. Review status: criteria provided, single submitter. Criteria: Invitae Variant Classification Sherloc (09022015). Collection method: clinical testing. Allele origin: germline.
Comment: This sequence change replaces glutamic acid, which is acidic and polar, with lysine, which is basic and polar, at codon 621 of the CCDC40 protein (p.Glu621Lys). This variant is present in population databases (rs752125203, gnomAD 0.01%). This variant has not been reported in the literature in individuals affected with CCDC40-related conditions. Algorithms developed to predict the effect of missense changes on protein structure and function are either unavailable or do not agree on the potential impact of this missense change (SIFT: "Tolerated"; PolyPhen-2: "Possibly Damaging"; Align-GVGD: "Class C0"). In summary, the available evidence is currently insufficient to determine the role of this variant in disease. Therefore, it has been classified as a Variant of Uncertain Significance.